The following is an entry in ClinVar:

ClinVar aggregate classification (germline): Likely benign. Review status: criteria provided, single submitter (1 of 4 stars). 2 submissions from 2 submitters: Likely benign (1). 1 of the submissions does not count toward it. Last evaluated 2024-03-05.

Conditions:
Immunodeficiency 35 (IMD35). Also called: TYK2 DEFICIENCY; HIES WITH ATYPICAL MYCOBACTERIOSIS, AUTOSOMAL RECESSIVE; HYPER-IgE SYNDROME WITH ATYPICAL MYCOBACTERIOSIS, AUTOSOMAL RECESSIVE; Susceptibility to infection due to TYK2 deficiency. Identifiers: Orphanet 331226, MedGen C1969086, MONDO:0012682, OMIM 611521.
TYK2-related disorder. Also called: TYK2-related condition.

Allele frequency attached by ClinVar (database versions not stated): gnomAD exomes 0.00002 and 0.00004; ExAC 0.00003; gnomAD 0.00018 and 0.00021; TOPMed 0.00019.
gnomAD v4.1: 51 of 1,614,064 alleles (0.0032%); highest among the groups gnomAD compares: African/African-American, 0.064%; no homozygotes.

Submissions (2):

Labcorp Genetics (formerly Invitae), Labcorp
Classification: Likely benign for Immunodeficiency 35. Last evaluated: 2024-03-05. Review status: criteria provided, single submitter. Criteria: Invitae Variant Classification Sherloc (09022015). Collection method: clinical testing. Allele origin: germline.

PreventionGenetics, part of Exact Sciences
Classification: Likely benign for TYK2-related condition. Last evaluated: 2019-12-09. Review status: no assertion criteria provided. Collection method: clinical testing. Allele origin: germline. Not counted in ClinVar's aggregate classification.
Comment: This variant is classified as likely benign based on ACMG/AMP sequence variant interpretation guidelines (Richards et al. 2015 PMID: 25741868, with internal and published modifications).

NM_003331.5(TYK2):c.1116A>G (p.Pro372=)

Gene: TYK2 (tyrosine kinase 2; minus strand). Cytogenetic location: 19p13.2.
Variant type: single nucleotide variant.
Coding change: c.1116A>G on transcript NM_003331.5 (MANE Select); coding-DNA position 1116, A replaced by G.
Protein change: p.Pro372=; no amino-acid change (proline 372 retained).
Molecular consequence: synonymous variant. On other transcripts: intron variant (1).
Genome position (GRCh38, 1-based): chr19:10,364,944, T>C on the plus strand (A>G on the coding strand, the complement: TYK2 is on the minus strand). VCF-style: chr19-10364944-T-C. GRCh37 (hg19) VCF-style: chr19-10475620-T-C.
Other names: c.1116A>G, p.Pro372= (NM_001385197.1, NM_001385198.1, NM_001385199.1 and 6 more transcripts); c.1026A>G, p.Pro342= (NM_001385205.1); c.1012-173A>G (NM_001385201.1); c.1116A>G (NM_003331.4).
Identifiers: ClinVar variation 1572782 (VCV001572782.9), dbSNP rs774964740, ClinGen allele CA9193523.